The following is an entry in ClinVar:

NM_020949.3(SLC7A14):c.1994-3C>T

Genes: SLC7A14 (solute carrier family 7 member 14; minus strand), SLC7A14-AS1 (SLC7A14 antisense RNA 1; plus strand). Cytogenetic location: 3q26.2.
Variant type: single nucleotide variant.
Coding change: c.1994-3C>T on transcript NM_020949.3 (MANE Select); 3 bases into the intron before coding-DNA position 1994, C replaced by T.
Molecular consequence: intron variant. On other transcripts: non-coding transcript variant (3).
Genome position (GRCh38, 1-based): chr3:170,467,380, G>A on the plus strand (C>T on the coding strand, the complement: SLC7A14 is on the minus strand). VCF-style: chr3-170467380-G-A. GRCh37 (hg19) VCF-style: chr3-170185168-G-A.
Identifiers: ClinVar variation 852915 (VCV000852915.9), dbSNP rs1739747929, ClinGen allele CA916082613.

ClinVar aggregate classification (germline): Uncertain significance (1 of 4 stars; one submission).

Submission:

Labcorp Genetics (formerly Invitae), Labcorp
Classification: Uncertain significance. Last evaluated: 2022-11-07. Review status: criteria provided, single submitter. Criteria: Invitae Variant Classification Sherloc (09022015). Collection method: clinical testing. Allele origin: germline.
Comment: In summary, the available evidence is currently insufficient to determine the role of this variant in disease. Therefore, it has been classified as a Variant of Uncertain Significance. Variants that disrupt the consensus splice site are a relatively common cause of aberrant splicing (PMID: 17576681, 9536098). Algorithms developed to predict the effect of sequence changes on RNA splicing suggest that this variant is not likely to affect RNA splicing. ClinVar contains an entry for this variant (Variation ID: 852915). This variant has not been reported in the literature in individuals affected with SLC7A14-related conditions. This variant is not present in population databases (gnomAD no frequency). This sequence change falls in intron 7 of the SLC7A14 gene. It does not directly change the encoded amino acid sequence of the SLC7A14 protein. It affects a nucleotide within the consensus splice site.

Literature cited by the submitters: PubMed 17576681; PubMed 9536098.